The following is an entry in ClinVar:

ClinVar aggregate classification (germline): Likely benign (1 of 4 stars; one submission).

Allele frequency attached by ClinVar (database versions not stated): 1000 Genomes Project 30x 0.00062; 1000 Genomes Project 0.00080; ExAC 0.00140; TOPMed 0.00154; gnomAD 0.00166; ESP Exome Variant Server 0.00169; gnomAD exomes 0.00204.
gnomAD v4.1: 3,211 of 1,614,242 alleles (0.2%); highest among the groups gnomAD compares: Non-Finnish European, 0.24%; 7 homozygotes.

Submission:

CeGaT Center for Human Genetics Tuebingen
Classification: Likely benign. Last evaluated: 2023-01-01. Review status: criteria provided, single submitter. Criteria: CeGaT Center For Human Genetics Tuebingen Variant Classification Criteria Version 2. Collection method: clinical testing. Allele origin: germline. Affected: yes. Observed: 2 variant alleles.
Comment: IGF2R: BP4, BP7

NM_000876.4(IGF2R):c.4878C>T (p.Leu1626=)

Gene: IGF2R (insulin like growth factor 2 receptor; plus strand). Cytogenetic location: 6q25.3.
Variant type: single nucleotide variant.
Coding change: c.4878C>T on transcript NM_000876.4 (MANE Select); coding-DNA position 4878, C replaced by T.
Protein change: p.Leu1626=; no amino-acid change (leucine 1626 retained).
Molecular consequence: synonymous variant.
Genome position (GRCh38, 1-based): chr6:160,073,400, C>T. VCF-style: chr6-160073400-C-T. GRCh37 (hg19) VCF-style: chr6-160494432-C-T.
Identifiers: ClinVar variation 2657107 (VCV002657107.24), dbSNP rs56029582, ClinGen allele CA4082750.